The following is an entry in ClinVar:

NM_000179.3(MSH6):c.4002-13_4002-12insAA

Gene: MSH6 (mutS homolog 6; plus strand). Cytogenetic location: 2p16.3.
Variant type: Insertion.
Coding change: c.4002-13_4002-12insAA on transcript NM_000179.3 (MANE Select); 13 bases into the intron before coding-DNA position 4002 through 12 bases into the intron before coding-DNA position 4002, AA inserted.
Molecular consequence: intron variant.
Genome position: GRCh38 VCF-style: chr2-47806766-T-TAA. GRCh37 (hg19) VCF-style: chr2-48033905-T-TAA.
Other names: c.3096-13_3096-12insAA (NM_001281493.2, NM_001281494.2); c.3612-13_3612-12insAA (NM_001281492.2).
Identifiers: ClinVar variation 418561 (VCV000418561.2), dbSNP rs1553333941, ClinGen allele CA16617723.

ClinVar aggregate classification (germline): Uncertain significance (1 of 4 stars; one submission).

Submission:

GeneDx
Classification: Uncertain significance. Last evaluated: 2016-09-12. Review status: criteria provided, single submitter. Criteria: GeneDx Variant Classification (06012015). Collection method: clinical testing. Allele origin: germline. Affected: yes.
Comment: This variant is denoted MSH6 c.4002-13_4002-12insAA or IVS9-13_IVS9-12insAA and consists of an insertion of two nucleotides at the -13 and -12 positions of intron 9 of the MSH6 gene. The normal sequence, with the bases that are inserted in braces, cttttttttttttttt[aa]ttta. Multiple in silico models predict this variant to damage the nearby natural splice acceptor site, and to possibly cause abnormal gene splicing; however, in the absence of RNA or functional studies, the actual effect of this variant is unknown. MSH6 c.4002-13_4002-12insAA was not observed in approximately 6,500 individuals of European and African American ancestry in the NHLBI Exome Sequencing Project, suggesting it is not a common benign variant in these populations. This variant has not, to our knowledge, been published in the literature as pathogenic or benign. The nucleotides that are altered are not conserved across species. Based on currently available evidence, it is unclear whether MSH6 c.4002-13_4002-12insAA is a pathogenic or benign variant. We consider it to be a variant of uncertain significance.